The following is an entry in ClinVar:

ClinVar aggregate classification (germline): Conflicting classifications of pathogenicity. Review status: criteria provided, conflicting classifications (1 of 4 stars). 2 submissions from 2 submitters: Uncertain significance (1); Likely benign (1). Last evaluated 2026-10-21.

Conditions:
Pyruvate carboxylase deficiency. Also called: ATAXIA WITH LACTIC ACIDOSIS II; LEIGH NECROTIZING ENCEPHALOPATHY DUE TO PYRUVATE CARBOXYLASE DEFICIENCY; LEIGH SYNDROME DUE TO PYRUVATE CARBOXYLASE DEFICIENCY; PC DEFICIENCY; Pyruvate Carboxylase Deficiency Disease. Identifiers: Orphanet 3008, MedGen C0034341, MONDO:0009949, OMIM 266150.

Allele frequency attached by ClinVar (database versions not stated): gnomAD 0.00002; TOPMed 0.00001; ExAC 0.00007.
gnomAD v4.1: 56 of 1,613,932 alleles (0.0035%); highest among the groups gnomAD compares: South Asian, 0.057%; 2 homozygotes.

Submissions (2):

GeneDx
Classification: Uncertain significance. Last evaluated: 2026-10-21. Review status: criteria provided, single submitter. Criteria: GeneDx Variant Classification Process June 2021. Collection method: clinical testing. Allele origin: germline.
Comment: Has not been previously published as pathogenic or benign to our knowledge; In silico analysis suggests that this missense variant does not alter protein structure/function

Labcorp Genetics (formerly Invitae), Labcorp
Classification: Likely benign for Pyruvate carboxylase deficiency. Last evaluated: 2024-07-17. Review status: criteria provided, single submitter. Criteria: Invitae Variant Classification Sherloc (09022015). Collection method: clinical testing. Allele origin: germline.

NM_001040716.2(PC):c.3475A>G (p.Lys1159Glu)

Gene: PC (pyruvate carboxylase; minus strand). Cytogenetic location: 11q13.2.
Variant type: single nucleotide variant.
Coding change: c.3475A>G on transcript NM_001040716.2 (MANE Select); coding-DNA position 3475, A replaced by G.
Protein change: p.Lys1159Glu; replaces lysine 1159 with glutamic acid.
Molecular consequence: missense variant.
Genome position (GRCh38, 1-based): chr11:66,848,961, T>C on the plus strand (A>G on the coding strand, the complement: PC is on the minus strand). VCF-style: chr11-66848961-T-C. GRCh37 (hg19) VCF-style: chr11-66616432-T-C.
Other names: c.3475A>G, p.Lys1159Glu (NM_000920.4, NM_022172.3); c.3475A>G (NM_000920.3); short protein forms K1159E.
Identifiers: ClinVar variation 2916783 (VCV002916783.5), dbSNP rs751432105, ClinGen allele CA6130774.